The following is an entry in ClinVar:

ClinVar aggregate classification (germline): Uncertain significance. Review status: criteria provided, single submitter (1 of 4 stars). 2 submissions from 2 submitters: Uncertain significance (1). 1 of the submissions does not count toward it. Last evaluated 2026-02-17.

Conditions:
Meckel syndrome, type 1 (MKS1). Also called: MECKEL-GRUBER SYNDROME, TYPE 1. Identifiers: Orphanet 564, MedGen C3714506, MONDO:0009571, OMIM 249000.
MKS1-related disorder. Also called: MKS1-related condition; MKS1-related disorders. Identifiers: MedGen CN239382.

Submissions (2):

PreventionGenetics, part of Exact Sciences
Classification: Uncertain significance for MKS1-related condition. Last evaluated: 2026-02-17. Review status: criteria provided, single submitter. Criteria: ACMG Guidelines, 2015. Collection method: clinical testing. Allele origin: germline.
Comment: The MKS1 c.772C>A variant is predicted to result in the amino acid substitution p.Gln258Lys. To our knowledge, this variant has not been reported in the literature. This variant is reported in 0.00088% of alleles in individuals of European (Non-Finnish) descent in gnomAD. At this time, the clinical significance of this variant is uncertain due to the absence of conclusive functional and genetic evidence.

Natera, Inc.
Classification: Uncertain significance for Meckel syndrome type 1. Last evaluated: 2025-03-24. Review status: no assertion criteria provided. Collection method: clinical testing. Allele origin: germline. Not counted in ClinVar's aggregate classification.

NM_017777.4(MKS1):c.772C>A (p.Gln258Lys)

Gene: MKS1 (MKS transition zone complex subunit 1; minus strand). Cytogenetic location: 17q22.
Variant type: single nucleotide variant.
Coding change: c.772C>A on transcript NM_017777.4 (MANE Select); coding-DNA position 772, C replaced by A.
Protein change: p.Gln258Lys; replaces glutamine 258 with lysine.
Molecular consequence: missense variant.
Genome position (GRCh38, 1-based): chr17:58,213,068, G>T on the plus strand (C>A on the coding strand, the complement: MKS1 is on the minus strand). VCF-style: chr17-58213068-G-T. GRCh37 (hg19) VCF-style: chr17-56290429-G-T.
Other names: c.163C>A, p.Gln55Lys (NM_001321268.2); c.772C>A, p.Gln258Lys (NM_001321269.2, NM_001330397.2, NM_001411113.1); short protein forms Q258K, Q55K.
Identifiers: ClinVar variation 4057720 (VCV004057720.2).